The following is an entry in ClinVar:

ClinVar aggregate classification (germline): Pathogenic. Review status: criteria provided, single submitter (1 of 4 stars). 2 submissions from 2 submitters: Pathogenic (1). 1 of the submissions does not count toward it. Last evaluated 2024-09-05.

Conditions:
Filippi syndrome (FLPIS). Identifiers: Orphanet 3255, MedGen C0795940, MONDO:0010092, OMIM 272440.

Submissions (2):

GeneDx
Classification: Pathogenic. Last evaluated: 2024-09-05. Review status: criteria provided, single submitter. Criteria: GeneDx Variant Classification Process June 2021. Collection method: clinical testing. Allele origin: germline. Affected: yes.
Comment: Observed in homozygous or apparent homozygous state in unrelated patients with Filippi syndrome in the literature, and not observed in homozygous state in controls (PMID: 38738944, 25439729); Frameshift variant predicted to result in protein truncation or nonsense mediated decay in a gene for which loss of function is a known mechanism of disease; This variant is associated with the following publications: (PMID: 33057194, 35982159, 28135719, 25439729, 28274275, 31785789, 38738944)

OMIM
Classification: Pathogenic for FILIPPI SYNDROME. Last evaluated: 2014-11-06. Review status: no assertion criteria provided. Collection method: literature only. Allele origin: germline. Not counted in ClinVar's aggregate classification.

Literature cited by the submitters: PubMed 25439729 (cited by OMIM).

NM_152515.5(CKAP2L):c.554_555del (p.Lys185fs)

Gene: CKAP2L (cytoskeleton associated protein 2 like; minus strand). Cytogenetic location: 2q14.1.
Variant type: Deletion.
Coding change: c.554_555del on transcript NM_152515.5 (MANE Select); coding-DNA positions 554 to 555, 2 bases deleted (AA; older notation c.554_555delAA).
Protein change: p.Lys185fs; shifts the reading frame from lysine 185.
Molecular consequence: frameshift variant.
Genome position (GRCh38, 1-based): chr2:112,756,816-112,756,817, TT deleted on the plus strand (AA on the coding strand, the reverse complement: CKAP2L is on the minus strand); deleting any 2 consecutive bases within chr2:112,756,816-112,756,818 gives the same sequence; the c. name uses the placement nearest the transcript's 3' end. VCF-style (leftmost placement, unchanged base first): chr2-112756815-CTT-C. GRCh37 (hg19) VCF-style: chr2-113514392-CTT-C.
Other names: c.59_60del, p.Lys20fs (NM_001304361.2); short protein forms K185fs, K20fs.
Identifiers: ClinVar variation 162389 (VCV000162389.3), dbSNP rs727502805, ClinGen allele CA175016.